The following is an entry in ClinVar:

ClinVar aggregate classification (germline): Likely pathogenic (1 of 4 stars; one submission).

Conditions:
Alport syndrome. Also called: Hemorrhagic familial nephritis; Hemorrhagic hereditary nephritis; Congenital hereditary hematuria. Identifiers: Orphanet 63, MedGen C1567741, MONDO:0018965.

Submission:

Victorian Clinical Genetics Services, Murdoch Childrens Research Institute
Classification: Likely pathogenic for Alport syndrome. Last evaluated: 2022-06-24. Review status: criteria provided, single submitter. Criteria: ACMG Guidelines, 2015. Collection method: clinical testing. Allele origin: germline.
Comment: Based on the classification scheme VCGS_Germline_v1.3.4, this variant is classified as Likely pathogenic. Following criteria are met: 0103 - Loss of function is a known mechanism of disease for this gene and is associated with COL4A4-related nephropathy (MIM#203780). Dominant negative is a suspected mechanism of disease for this gene as it is a structural protein (PMIDs: 12028435, 24046192). (I) 0108 - This gene is associated with both recessive and dominant disease. Alport syndrome typically has biallelic inheritance, although rare cases of monoallelic inheritance have been reported (PMID: 28704582). Thin basement membrane nephropathy and focal segmental glomerulosclerosis are associated with autosomal dominant inheritance (OMIM, PMIDs: 16467446, 17942953). (I) 0212 - Non-canonical splice site variant without proven consequence on splicing (no functional evidence available). Additionally, this deletion also results in a missense variant (p.(Lys1021Asn)), however it is uncertain if this change is also affecting function. (SP) 0251 - This variant is heterozygous. (I) 0301 - Variant is absent from gnomAD (both v2 and v3). (SP) 0505 - Abnormal splicing is predicted by in silico tools and affected nucleotide is highly conserved. (SP) 0705 - No comparable splice variants have previous evidence for pathogenicity. (I) 0807 - This variant has no previous evidence of pathogenicity. (I) 0906 - Segregation evidence for this variant is inconclusive. (I) 1007 - No published functional evidence has been identified for this variant. (I) 1102 - Strong phenotype match for this individual. (I) Legend: (SP) - Supporting pathogenic, (I) - Information, (SB) - Supporting benign

Literature cited by the submitters: PubMed 12028435; PubMed 16467446; PubMed 17942953; PubMed 24046192; PubMed 28704582.

NM_000092.5(COL4A4):c.3213_3214+3del

Gene: COL4A4 (collagen type IV alpha 4 chain; minus strand). Cytogenetic location: 2q36.3.
Variant type: Deletion.
Coding change: c.3213_3214+3del on transcript NM_000092.5 (MANE Select); coding-DNA position 3213 through 3 bases into the intron after coding-DNA position 3214, 5 bases deleted (AGGTA; older notation c.3213_3214+3delAGGTA).
Molecular consequence: splice donor variant.
Genome position (GRCh38, 1-based): chr2:227,050,065-227,050,069, TACCT deleted on the plus strand (AGGTA on the coding strand, the reverse complement: COL4A4 is on the minus strand); deleting any 5 consecutive bases within chr2:227,050,065-227,050,070 gives the same sequence; the c. name uses the placement nearest the transcript's 3' end. VCF-style (leftmost placement, unchanged base first): chr2-227050064-ATACCT-A. GRCh37 (hg19) VCF-style: chr2-227914780-ATACCT-A.
Identifiers: ClinVar variation 3377399 (VCV003377399.1).